The following is an entry in ClinVar:

ClinVar aggregate classification (germline): Likely benign. Review status: criteria provided, multiple submitters, no conflicts (2 of 4 stars). 5 submissions from 5 submitters: Likely benign (3). 2 of the submissions do not count toward it. Last evaluated 2023-05-23.

Conditions:
CFTR-related disorder (CFTR-RD). Also called: CFTR-related disorders; CFTR-related condition. Identifiers: MedGen C5924204, MONDO:7770004.
Cystic fibrosis (CF). Also called: MUCOVISCIDOSIS. Identifiers: Orphanet 586, MedGen C0010674, MONDO:0009061, OMIM 219700. Disease mechanism: loss of function.

Allele frequency attached by ClinVar (database versions not stated): gnomAD 0.00001; TOPMed 0.00001.
gnomAD v4.1: 1 of 1,613,944 alleles (0.000062%); highest among the groups gnomAD compares: Non-Finnish European, 0.000085%; no homozygotes.

Submissions (5):

Labcorp Genetics (formerly Invitae), Labcorp
Classification: Likely benign for Cystic fibrosis. Last evaluated: 2023-05-23. Review status: criteria provided, single submitter. Criteria: Invitae Variant Classification Sherloc (09022015). Collection method: clinical testing. Allele origin: germline.

Ambry Genetics
Classification: Likely benign for Cystic fibrosis. Last evaluated: 2022-04-30. Review status: criteria provided, single submitter. Criteria: Ambry Variant Classification Scheme 2023. Collection method: clinical testing. Allele origin: germline.

Women's Health and Genetics/Laboratory Corporation of America, LabCorp
Classification: Likely benign. Last evaluated: 2019-08-28. Review status: criteria provided, single submitter. Criteria: LabCorp Variant Classification Summary - May 2015. Collection method: clinical testing. Allele origin: germline.

PreventionGenetics, part of Exact Sciences
Classification: Likely benign for CFTR-related condition. Last evaluated: 2021-12-13. Review status: no assertion criteria provided. Collection method: clinical testing. Allele origin: germline. Not counted in ClinVar's aggregate classification.
Comment: This variant is classified as likely benign based on ACMG/AMP sequence variant interpretation guidelines (Richards et al. 2015 PMID: 25741868, with internal and published modifications).

Natera, Inc.
Classification: Likely benign for CFTR-related disorders. Last evaluated: 2021-10-05. Review status: no assertion criteria provided. Collection method: clinical testing. Allele origin: germline. Not counted in ClinVar's aggregate classification.

NM_000492.4(CFTR):c.2112A>G (p.Pro704=)

Gene: CFTR (CF transmembrane conductance regulator; plus strand). Cytogenetic location: 7q31.2.
Variant type: single nucleotide variant.
Coding change: c.2112A>G on transcript NM_000492.4 (MANE Select); coding-DNA position 2112, A replaced by G.
Protein change: p.Pro704=; no amino-acid change (proline 704 retained).
Molecular consequence: synonymous variant.
Genome position (GRCh38, 1-based): chr7:117,592,279, A>G. VCF-style: chr7-117592279-A-G. GRCh37 (hg19) VCF-style: chr7-117232333-A-G.
Identifiers: ClinVar variation 495907 (VCV000495907.15), dbSNP rs926782023, ClinGen allele CA164947848.